The following is an entry in ClinVar:

NM_001127222.2(CACNA1A):c.2491C>A (p.Arg831Ser)

Gene: CACNA1A (calcium voltage-gated channel subunit alpha1 A; minus strand). Cytogenetic location: 19p13.13.
Variant type: single nucleotide variant.
Coding change: c.2491C>A on transcript NM_001127222.2 (MANE Select); coding-DNA position 2491, C replaced by A.
Protein change: p.Arg831Ser; replaces arginine 831 with serine.
Molecular consequence: missense variant.
Genome position (GRCh38, 1-based): chr19:13,299,142, G>T on the plus strand (C>A on the coding strand, the complement: CACNA1A is on the minus strand). VCF-style: chr19-13299142-G-T. GRCh37 (hg19) VCF-style: chr19-13409956-G-T.
Other names: c.2503C>A, p.Arg835Ser (NM_000068.4, NM_023035.3); c.2494C>A, p.Arg832Ser (NM_001127221.2, NM_001174080.2); short protein forms R832S, R835S, R831S.
Identifiers: ClinVar variation 573484 (VCV000573484.10), dbSNP rs1464680327, ClinGen allele CA404343337.

ClinVar aggregate classification (germline): Uncertain significance (1 of 4 stars; one submission).

Conditions:
Episodic ataxia type 2 (EA2). Also called: ACETAZOLAMIDE-RESPONSIVE HEREDITARY PAROXYSMAL CEREBELLAR ATAXIA; CEREBELLAR ATAXIA, PAROXYSMAL, ACETAZOLAMIDE-RESPONSIVE; CEREBELLOPATHY, HEREDITARY PAROXYSMAL; EPISODIC ATAXIA, NYSTAGMUS-ASSOCIATED; ATAXIA, EPISODIC, WITH NYSTAGMUS; ATAXIA, FAMILIAL PAROXYSMAL. Identifiers: Orphanet 97, MedGen C1720416, MONDO:0007163, OMIM 108500.
Developmental and epileptic encephalopathy, 42 (DEE42A). Also called: DEVELOPMENTAL AND EPILEPTIC ENCEPHALOPATHY 42A; EPILEPTIC ENCEPHALOPATHY, EARLY INFANTILE, 42A; Epileptic encephalopathy, early infantile, 42. Identifiers: MedGen C4310716, MONDO:0014917, OMIM 617106.

Submission:

Labcorp Genetics (formerly Invitae), Labcorp
Classification: Uncertain significance for Developmental and epileptic encephalopathy, 42; Episodic ataxia type 2. Last evaluated: 2018-10-08. Review status: criteria provided, single submitter. Criteria: Invitae Variant Classification Sherloc (09022015). Collection method: clinical testing. Allele origin: germline.
Comment: In summary, the available evidence is currently insufficient to determine the role of this variant in disease. Therefore, it has been classified as a Variant of Uncertain Significance. Algorithms developed to predict the effect of missense changes on protein structure and function do not agree on the potential impact of this missense change (SIFT: "Deleterious"; PolyPhen-2: "Possibly Damaging"; Align-GVGD: "Class C0"). This variant has not been reported in the literature in individuals with CACNA1A-related disease. This variant is not present in population databases (ExAC no frequency). This sequence change replaces arginine with serine at codon 832 of the CACNA1A protein (p.Arg832Ser). The arginine residue is highly conserved and there is a moderate physicochemical difference between arginine and serine.